The following is an entry in ClinVar:

NM_002878.4(RAD51D):c.481G>T (p.Ala161Ser)

Genes: RAD51L3-RFFL (RAD51L3-RFFL readthrough; minus strand), RAD51D (RAD51 paralog D; minus strand). Cytogenetic location: 17q12.
Variant type: single nucleotide variant.
Coding change: c.481G>T on transcript NM_002878.4 (MANE Select); coding-DNA position 481, G replaced by T.
Protein change: p.Ala161Ser; replaces alanine 161 with serine.
Molecular consequence: missense variant. On other transcripts: non-coding transcript variant (3).
Genome position (GRCh38, 1-based): chr17:35,106,481, C>A on the plus strand (G>T on the coding strand, the complement: RAD51D is on the minus strand). VCF-style: chr17-35106481-C-A. GRCh37 (hg19) VCF-style: chr17-33433500-C-A.
Other names: c.481G>T (NM_002878.3); c.541G>T, p.Ala181Ser (NM_001142571.2); c.145G>T, p.Ala49Ser (NM_133629.3); short protein forms A161S, A181S, A49S.
Identifiers: ClinVar variation 584936 (VCV000584936.3), dbSNP rs1567727951, ClinGen allele CA399089082.

ClinVar aggregate classification (germline): Uncertain significance. Review status: criteria provided, multiple submitters, no conflicts (2 of 4 stars). 2 submissions from 2 submitters: Uncertain significance (2). Last evaluated 2024-02-24.

Conditions:
Hereditary cancer-predisposing syndrome. Also called: Tumor predisposition; Neoplastic Syndromes, Hereditary; Hereditary neoplastic syndrome; Hereditary Cancer Syndrome. Identifiers: Orphanet 140162, MedGen C0027672, MeSH D009386, MONDO:0015356.
Hereditary breast ovarian cancer syndrome. Also called: Hereditary breast and ovarian cancer; Breast and ovarian cancer; Hereditary breast and/or ovarian cancer syndrome; BRCA1- and BRCA2-Associated Hereditary Breast and Ovarian Cancer; Hereditary breast and ovarian cancer syndrome; Hereditary breast and ovarian cancer syndrome (HBOC). Identifiers: Orphanet 145, MedGen C0677776, MeSH D061325, MONDO:0003582. Disease mechanism: loss of function.

Submissions (2):

Ambry Genetics
Classification: Uncertain significance for Hereditary cancer-predisposing syndrome. Last evaluated: 2024-02-24. Review status: criteria provided, single submitter. Criteria: Ambry Variant Classification Scheme 2023. Collection method: clinical testing. Allele origin: germline.
Comment: The p.A161S variant (also known as c.481G>T) is located in coding exon 6 of the RAD51D gene. The alanine at codon 161 is replaced by serine, an amino acid with similar properties. This change occurs in the first base pair of coding exon 6. This amino acid position is conserved. In addition, this alteration is predicted to be tolerated by in silico analysis. Based on the available evidence, the clinical significance of this alteration remains unclear.

Mendelics
Classification: Uncertain significance for Hereditary breast and ovarian cancer syndrome. Last evaluated: 2018-07-02. Review status: criteria provided, single submitter. Criteria: Mendelics Assertion Criteria 2017. Collection method: clinical testing. Allele origin: unknown.